The following is an entry in ClinVar:

NM_024642.5(GALNT12):c.1472C>T (p.Thr491Met)

Gene: GALNT12 (polypeptide N-acetylgalactosaminyltransferase 12; plus strand). Cytogenetic location: 9q22.33.
Variant type: single nucleotide variant.
Coding change: c.1472C>T on transcript NM_024642.5 (MANE Select); coding-DNA position 1472, C replaced by T.
Protein change: p.Thr491Met; replaces threonine 491 with methionine.
Molecular consequence: missense variant.
Genome position (GRCh38, 1-based): chr9:98,845,990, C>T. VCF-style: chr9-98845990-C-T. GRCh37 (hg19) VCF-style: chr9-101608272-C-T.
Other names: short protein forms T491M.
Identifiers: ClinVar variation 1271 (VCV000001271.7), dbSNP rs267606840, ClinGen allele CA114897.
Genomic context (GRCh38, chr9:98,845,990, plus strand): 5'-ACATCAGTGGAAAATGTTGTGTTACATGTTGGCTGCCCCATTTTTAGTTTTTCGAGTACA[C>T]GTCCCAGAAAGAAATACGCTATAACACCCACCAGCCTGAGGGCTGCATTGCTGTGGAAGC-3'
Protein context (NP_078918.3, residues 481-501): GMGQNQFFEY[Thr491Met]SQKEIRYNTH

ClinVar aggregate classification (germline): Uncertain significance. Review status: criteria provided, multiple submitters, no conflicts (2 of 4 stars). 3 submissions from 3 submitters: Uncertain significance (2). 1 of the submissions does not count toward it. Last evaluated 2024-10-18.

Conditions:
Colorectal cancer, susceptibility to, 1. Also called: COLORECTAL ADENOMA AND CANCER, SUSCEPTIBILITY TO; COLORECTAL CANCER, SUSCEPTIBILITY TO, ON CHROMOSOME 9. Identifiers: MedGen C1837315, MONDO:0012132, OMIM 608812.

Allele frequency attached by ClinVar (database versions not stated): gnomAD exomes below 0.00001.
gnomAD v4.1: 6 of 1,614,108 alleles (0.00037%); highest among the groups gnomAD compares: Non-Finnish European, 0.00051%; no homozygotes.

Submissions (3):

Ambry Genetics
Classification: Uncertain significance. Last evaluated: 2024-10-18. Review status: criteria provided, single submitter. Criteria: Ambry Variant Classification Scheme 2023. Collection method: clinical testing. Allele origin: germline.
Comment: The p.T491M variant (also known as c.1472C>T), located in coding exon 9 of the GALNT12 gene, results from a C to T substitution at nucleotide position 1472. The threonine at codon 491 is replaced by methionine, an amino acid with similar properties. This amino acid position is well conserved in available vertebrate species. In addition, the in silico prediction for this alteration is inconclusive. The evidence for this gene-disease relationship is limited; therefore, the clinical significance of this alteration is unclear.

Labcorp Genetics (formerly Invitae), Labcorp
Classification: Uncertain significance. Last evaluated: 2024-07-19. Review status: criteria provided, single submitter. Criteria: Invitae Variant Classification Sherloc (09022015). Collection method: clinical testing. Allele origin: germline.
Comment: This sequence change replaces threonine, which is neutral and polar, with methionine, which is neutral and non-polar, at codon 491 of the GALNT12 protein (p.Thr491Met). This variant is present in population databases (rs267606840, gnomAD 0.0009%). This missense change has been observed in individual(s) with colon cancer (PMID: 19617566). ClinVar contains an entry for this variant (Variation ID: 1271). Advanced modeling of protein sequence and biophysical properties (such as structural, functional, and spatial information, amino acid conservation, physicochemical variation, residue mobility, and thermodynamic stability) performed at Invitae indicates that this missense variant is not expected to disrupt GALNT12 protein function with a negative predictive value of 80%. Experimental studies have shown that this missense change affects GALNT12 function (PMID: 19617566). In summary, the available evidence is currently insufficient to determine the role of this variant in disease. Therefore, it has been classified as a Variant of Uncertain Significance.

OMIM
Classification: risk factor for COLORECTAL CANCER, SUSCEPTIBILITY TO, 1. Last evaluated: 2009-08-04. Review status: no assertion criteria provided. Collection method: literature only. Allele origin: germline. Not counted in ClinVar's aggregate classification.

Literature cited by the submitters: PubMed 19617566 (cited by Labcorp Genetics (formerly Invitae), Labcorp and OMIM).